The following is an entry in ClinVar:

ClinVar aggregate classification (germline): Likely benign. Review status: reviewed by expert panel (3 of 4 stars). 10 submissions from 10 submitters: Likely benign (1). 9 of the submissions do not count toward it. Last evaluated 2017-06-29.

Conditions:
Hereditary breast ovarian cancer syndrome. Also called: Hereditary breast and ovarian cancer syndrome; Hereditary breast and ovarian cancer syndrome (HBOC); BRCA1- and BRCA2-Associated Hereditary Breast and Ovarian Cancer; Breast and ovarian cancer; Hereditary breast and ovarian cancer; Hereditary breast and/or ovarian cancer syndrome. Identifiers: Orphanet 145, MedGen C0677776, MeSH D061325, MONDO:0003582. Disease mechanism: loss of function.
Breast-ovarian cancer, familial, susceptibility to, 1 (BROVCA1). Also called: OVARIAN CANCER, SUSCEPTIBILITY TO; BRCA1 Hereditary Breast and Ovarian Cancer. Identifiers: Orphanet 145, MedGen C2676676, MONDO:0011450, OMIM 604370. Disease mechanism: loss of function.
BRCA1-related cancer predisposition. Identifiers: MedGen CN377757, MONDO:0700268.
Hereditary cancer-predisposing syndrome. Also called: Hereditary Cancer Syndrome; Hereditary neoplastic syndrome; Tumor predisposition; Neoplastic Syndromes, Hereditary. Identifiers: Orphanet 140162, MedGen C0027672, MeSH D009386, MONDO:0015356.

Allele frequency attached by ClinVar (database versions not stated): gnomAD exomes below 0.00001 and 0.00001; ExAC 0.00002; TOPMed 0.00002; gnomAD 0.00004 and 0.00005.
gnomAD v4.1: 11 of 1,614,108 alleles (0.00068%); highest among the groups gnomAD compares: African/African-American, 0.0093%; no homozygotes.

Submissions (10):

Evidence-based Network for the Interpretation of Germline Mutant Alleles (ENIGMA)
Classification: Likely benign for Breast-ovarian cancer, familial, susceptibility to, 1. Last evaluated: 2017-06-29. Review status: reviewed by expert panel. Criteria: ENIGMA BRCA1/2 Classification Criteria (2017-06-29). Collection method: curation. Allele origin: germline.
Comment: Synonymous substitution variant, with low bioinformatic likelihood to result in a splicing aberration (Splicing prior probability 0.02).

Labcorp Genetics (formerly Invitae), Labcorp
Classification: Likely benign for Hereditary breast ovarian cancer syndrome. Last evaluated: 2026-01-31. Review status: criteria provided, single submitter. Criteria: Invitae Variant Classification Sherloc (09022015). Collection method: clinical testing. Allele origin: germline. Not counted in ClinVar's aggregate classification.

Quest Diagnostics Nichols Institute San Juan Capistrano
Classification: Likely benign. Last evaluated: 2025-07-17. Review status: criteria provided, single submitter. Criteria: Quest Diagnostics criteria. Collection method: clinical testing. Allele origin: unknown. Not counted in ClinVar's aggregate classification.

All of Us Research Program, National Institutes of Health
Classification: Likely benign for BRCA1-related cancer predisposition. Last evaluated: 2024-03-05. Review status: criteria provided, single submitter. Criteria: ACMG Guidelines, 2015. Collection method: clinical testing. Allele origin: germline. Inheritance: Autosomal dominant inheritance. Observed: 1 variant allele, 1 heterozygote. Not counted in ClinVar's aggregate classification.
Comment: This study involves interpretation of variants in research participants for the purpose of population health screening. Participant phenotype was not available at the time of variant classification. Additional details can be found in publication PMID: 35346344, PMCID: PMC8962531

Women's Health and Genetics/Laboratory Corporation of America, LabCorp
Classification: Likely benign. Last evaluated: 2019-08-21. Review status: criteria provided, single submitter. Criteria: LabCorp Variant Classification Summary - May 2015. Collection method: clinical testing. Allele origin: germline. Not counted in ClinVar's aggregate classification.

Color Diagnostics, LLC DBA Color Health
Classification: Likely benign for Hereditary cancer-predisposing syndrome. Last evaluated: 2018-02-23. Review status: criteria provided, single submitter. Criteria: ACMG Guidelines, 2015. Collection method: clinical testing. Allele origin: germline. Not counted in ClinVar's aggregate classification.

GeneDx
Classification: Benign. Last evaluated: 2015-07-30. Review status: criteria provided, single submitter. Criteria: GeneDx Variant Classification Process June 2021. Collection method: clinical testing. Allele origin: germline. Affected: yes. Not counted in ClinVar's aggregate classification.

Ambry Genetics
Classification: Likely benign for Hereditary cancer-predisposing syndrome. Last evaluated: 2014-07-07. Review status: criteria provided, single submitter. Criteria: Ambry Variant Classification Scheme 2023. Collection method: clinical testing. Allele origin: germline. Not counted in ClinVar's aggregate classification.

Counsyl
Classification: Likely benign for Breast-ovarian cancer, familial, susceptibility to, 1. Last evaluated: 2017-06-20. Review status: no assertion criteria provided. Collection method: clinical testing. Allele origin: unknown. Not counted in ClinVar's aggregate classification.

Department of Medical Genetics, University Hospital of North Norway
Classification: Uncertain significance for Breast-ovarian cancer, familial, susceptibility to, 1. Last evaluated: 2016-05-01. Review status: no assertion criteria provided. Collection method: clinical testing. Allele origin: germline. Affected: yes. Observed: 1 variant allele. Not counted in ClinVar's aggregate classification.

Literature cited by the submitters: PubMed 27495310 (cited by 3 submitters).

NM_007294.4(BRCA1):c.1419C>T (p.Asn473=)

Gene: BRCA1 (BRCA1 DNA repair associated; minus strand). Cytogenetic location: 17q21.31.
Variant type: single nucleotide variant.
Coding change: c.1419C>T on transcript NM_007294.4 (MANE Select); coding-DNA position 1419, C replaced by T.
Protein change: p.Asn473=; no amino-acid change (asparagine 473 retained).
Molecular consequence: synonymous variant. On other transcripts: intron variant (137).
Genome position (GRCh38, 1-based): chr17:43,094,112, G>A on the plus strand (C>T on the coding strand, the complement: BRCA1 is on the minus strand). VCF-style: chr17-43094112-G-A. GRCh37 (hg19) VCF-style: chr17-41246129-G-A.
Other names: c.523+632C>T (NM_001408497.1, NM_001408496.1, NM_001408499.1 and 3 more transcripts); c.787+632C>T (NM_001407973.1, NM_001408403.1, NM_001407983.1 and 19 more transcripts); c.404-3080C>T (NM_001408511.1); c.646+632C>T (NM_001408457.1, NM_001408460.1, NM_001408454.1 and 11 more transcripts); c.520+632C>T (NM_001408505.1, NM_001408504.1, NM_001408503.1); c.460+1734C>T (NM_001408507.1, NM_001408506.1); c.545-3080C>T (NM_001408495.1); c.661+632C>T (NM_001408448.1, NM_001408445.1, NM_001408432.1 and 6 more transcripts); and 40 more.
Identifiers: ClinVar variation 185689 (VCV000185689.28), dbSNP rs777228325, ClinGen allele CA000956.